The following is an entry in ClinVar:

NM_032043.3(BRIP1):c.675C>G (p.Asn225Lys)

Gene: BRIP1 (BRCA1 interacting DNA helicase 1; minus strand). Cytogenetic location: 17q23.2.
Variant type: single nucleotide variant.
Coding change: c.675C>G on transcript NM_032043.3 (MANE Select); coding-DNA position 675, C replaced by G.
Protein change: p.Asn225Lys; replaces asparagine 225 with lysine.
Molecular consequence: missense variant.
Genome position (GRCh38, 1-based): chr17:61,808,710, G>C on the plus strand (C>G on the coding strand, the complement: BRIP1 is on the minus strand). VCF-style: chr17-61808710-G-C. GRCh37 (hg19) VCF-style: chr17-59886071-G-C.
Other names: short protein forms N225K.
Identifiers: ClinVar variation 5033444 (VCV005033444.1).

ClinVar aggregate classification (germline): Uncertain significance (1 of 4 stars; one submission).

Conditions:
Hereditary cancer-predisposing syndrome. Also called: Neoplastic Syndromes, Hereditary; Tumor predisposition; Hereditary neoplastic syndrome; Hereditary Cancer Syndrome. Identifiers: Orphanet 140162, MedGen C0027672, MeSH D009386, MONDO:0015356.

Submission:

Ambry Genetics
Classification: Uncertain significance for Hereditary cancer-predisposing syndrome. Last evaluated: 2026-08-04. Review status: criteria provided, single submitter. Criteria: Ambry Variant Classification Scheme 2023. Collection method: clinical testing. Allele origin: germline.
Comment: The p.N225K variant (also known as c.675C>G), located in coding exon 6 of the BRIP1 gene, results from a C to G substitution at nucleotide position 675. The asparagine at codon 225 is replaced by lysine, an amino acid with similar properties. This amino acid position is conserved. In addition, this alteration is predicted to be tolerated by in silico analysis. Based on the available evidence, the clinical significance of this variant remains unclear.